The following is an entry in ClinVar:

NM_001127217.3(SMAD9):c.137_140del (p.Lys46fs)

Gene: SMAD9 (SMAD family member 9; minus strand). Cytogenetic location: 13q13.3.
Variant type: Deletion.
Coding change: c.137_140del on transcript NM_001127217.3 (MANE Select); coding-DNA positions 137 to 140, 4 bases deleted (AGAA; older notation c.137_140delAGAA).
Protein change: p.Lys46fs; shifts the reading frame from lysine 46.
Molecular consequence: frameshift variant.
Genome position (GRCh38, 1-based): chr13:36,879,550-36,879,553, TTCT deleted on the plus strand (AGAA on the coding strand, the reverse complement: SMAD9 is on the minus strand); deleting any 4 consecutive bases within chr13:36,879,550-36,879,555 gives the same sequence; the c. name uses the placement nearest the transcript's 3' end. VCF-style (leftmost placement, unchanged base first): chr13-36879549-CTTCT-C. GRCh37 (hg19) VCF-style: chr13-37453686-CTTCT-C.
Other names: c.137_140del (NM_001127217.2); c.135_138delAAAG, p.Lys46Argfs (NM_001127217.2); c.137_140del, p.Lys46fs (NM_001378621.1, NM_005905.6); short protein forms K46fs.
Identifiers: ClinVar variation 2905695 (VCV002905695.5), dbSNP rs781661592, ClinGen allele CA6950643.
Genomic context (GRCh38, chr13:36,879,549, plus strand): 5'-TTTGCTGGGCTGCCCCGGGCAGCTGAGAGCCCTCTCCAGCTCGTCCATGGCTCCCTTCTT[CTTCT>C]TTAACTTCTTCACTAGAGAGTCCACTGCCTTCTCTGCCCACTTTTCCTCTTCATCTCCTT-3'

ClinVar aggregate classification (germline): Conflicting classifications of pathogenicity. Review status: criteria provided, conflicting classifications (1 of 4 stars). 3 submissions from 3 submitters: Pathogenic (1); Likely pathogenic (1); Uncertain significance (1). Last evaluated 2024-10-08.

Conditions:
Pulmonary hypertension, primary, 2. Identifiers: Orphanet 422, MedGen C3888002, MONDO:0014134, OMIM 615342.

Submissions (3):

Revvity Omics, Revvity
Classification: Likely pathogenic for Pulmonary hypertension, primary, 2. Last evaluated: 2024-10-08. Review status: criteria provided, single submitter. Criteria: ACMG Guidelines, 2015. Collection method: clinical testing. Allele origin: germline.

Blueprint Genetics
Classification: Uncertain significance. Last evaluated: 2024-05-23. Review status: criteria provided, single submitter. Criteria: ACMG Guidelines, 2015. Collection method: clinical testing. Allele origin: germline.

Labcorp Genetics (formerly Invitae), Labcorp
Classification: Pathogenic for Pulmonary hypertension, primary, 2. Last evaluated: 2023-08-01. Review status: criteria provided, single submitter. Criteria: Invitae Variant Classification Sherloc (09022015). Collection method: clinical testing. Allele origin: germline.
Comment: This variant is present in population databases (rs781661592, gnomAD 0.003%). This sequence change creates a premature translational stop signal (p.Lys46Argfs*44) in the SMAD9 gene. It is expected to result in an absent or disrupted protein product. Loss-of-function variants in SMAD9 are known to be pathogenic (PMID: 19419974, 31727138). This variant has not been reported in the literature in individuals affected with SMAD9-related conditions. For these reasons, this variant has been classified as Pathogenic.

Literature cited by the submitters: PubMed 19419974 (cited by Labcorp Genetics (formerly Invitae), Labcorp); PubMed 31727138 (cited by Labcorp Genetics (formerly Invitae), Labcorp).